The following is an entry in ClinVar:

ClinVar aggregate classification (germline): Conflicting classifications of pathogenicity. Review status: criteria provided, conflicting classifications (1 of 4 stars). 2 submissions from 2 submitters: Uncertain significance (1); Likely benign (1). Last evaluated 2026-06-04.

Conditions:
Renal cell carcinoma. Identifiers: Orphanet 217071, MedGen C0007134, MeSH D002292, MONDO:0005086, HP:0005584.
Hereditary cancer-predisposing syndrome. Also called: Neoplastic Syndromes, Hereditary; Tumor predisposition; Hereditary Cancer Syndrome; Hereditary neoplastic syndrome. Identifiers: Orphanet 140162, MedGen C0027672, MeSH D009386, MONDO:0015356.

Submissions (2):

Ambry Genetics
Classification: Likely benign for Hereditary cancer-predisposing syndrome. Last evaluated: 2026-06-04. Review status: criteria provided, single submitter. Criteria: Ambry Variant Classification Scheme 2023. Collection method: clinical testing. Allele origin: germline.

Labcorp Genetics (formerly Invitae), Labcorp
Classification: Uncertain significance for Renal cell carcinoma. Last evaluated: 2022-12-06. Review status: criteria provided, single submitter. Criteria: Invitae Variant Classification Sherloc (09022015). Collection method: clinical testing. Allele origin: germline.
Comment: This sequence change replaces threonine, which is neutral and polar, with isoleucine, which is neutral and non-polar, at codon 309 of the MET protein (p.Thr309Ile). This variant is not present in population databases (gnomAD no frequency). This variant has not been reported in the literature in individuals affected with MET-related conditions. Advanced modeling of protein sequence and biophysical properties (such as structural, functional, and spatial information, amino acid conservation, physicochemical variation, residue mobility, and thermodynamic stability) performed at Invitae indicates that this missense variant is not expected to disrupt MET protein function. In summary, the available evidence is currently insufficient to determine the role of this variant in disease. Therefore, it has been classified as a Variant of Uncertain Significance.

NM_000245.4(MET):c.926C>T (p.Thr309Ile)

Gene: MET (MET proto-oncogene, receptor tyrosine kinase; plus strand). Cytogenetic location: 7q31.2.
Variant type: single nucleotide variant.
Coding change: c.926C>T on transcript NM_000245.4 (MANE Select); coding-DNA position 926, C replaced by T.
Protein change: p.Thr309Ile; replaces threonine 309 with isoleucine.
Molecular consequence: missense variant. On other transcripts: intron variant (1).
Genome position (GRCh38, 1-based): chr7:116,700,010, C>T. VCF-style: chr7-116700010-C-T. GRCh37 (hg19) VCF-style: chr7-116340064-C-T.
Other names: c.926C>T, p.Thr309Ile (NM_001127500.3, NM_001324401.3); c.-91+27433C>T (NM_001324402.2); short protein forms T309I.
Identifiers: ClinVar variation 2054481 (VCV002054481.6), dbSNP rs2116601109, ClinGen allele CA368970163.
Genomic context (GRCh38, chr7:116,700,010, plus strand): 5'-ATTCCTACATGGAAATGCCTCTGGAGTGTATTCTCACAGAAAAGAGAAAAAAGAGATCCA[C>T]AAAGAAGGAAGTGTTTAATATACTTCAGGCTGCGTATGTCAGCAAGCCTGGGGCCCAGCT-3'
Protein context (NP_000236.2, residues 299-319): ILTEKRKKRS[Thr309Ile]KKEVFNILQA